The following is an entry in ClinVar:

NM_000501.4(ELN):c.417del (p.Val141fs)

Gene: ELN (elastin; plus strand). Cytogenetic location: 7q11.23.
Variant type: Deletion.
Coding change: c.417del on transcript NM_000501.4 (MANE Select); coding-DNA position 417, one base deleted (G; older notation c.417delG).
Protein change: p.Val141fs; shifts the reading frame from valine 141.
Molecular consequence: frameshift variant.
Genome position (GRCh38, 1-based): chr7:74,043,158, G deleted; the last of 3 consecutive G bases (chr7:74,043,156-74,043,158); deleting any one gives the same sequence. VCF-style (leftmost placement, unchanged base first): chr7-74043155-TG-T. GRCh37 (hg19) VCF-style: chr7-73457485-TG-T.
Other names: c.387del, p.Val131fs (NM_001081752.3, NM_001278917.2, NM_001278918.2); c.432del, p.Val146fs (NM_001081753.3, NM_001081754.3); c.417del, p.Val141fs (NM_001081755.3, NM_001278912.2, NM_001278915.2 and 2 more transcripts); c.381del, p.Val129fs (NM_001278913.2); c.402del, p.Val136fs (NM_001278914.2); c.417delG (NM_001278939.1); short protein forms V129fs, V131fs, V141fs, V136fs, V146fs.
Identifiers: ClinVar variation 238949 (VCV000238949.6), dbSNP rs878854452, ClinGen allele CA10582540.

ClinVar aggregate classification (germline): Pathogenic (1 of 4 stars; one submission).

Conditions:
Supravalvar aortic stenosis (SVAS). Also called: Supravalvar aortic stenosis, Eisenberg type. Identifiers: Orphanet 3193, MedGen C0003499, MONDO:0008504, OMIM 185500, HP:0004381.

Submission:

Labcorp Genetics (formerly Invitae), Labcorp
Classification: Pathogenic for Supravalvar aortic stenosis. Last evaluated: 2016-02-15. Review status: criteria provided, single submitter. Criteria: Invitae Variant Classification Sherloc (09022015). Collection method: clinical testing. Allele origin: germline.
Comment: This sequence change deletes one nucleotide from exon 8 of the ELN mRNA (c.417delG), causing a frameshift at codon 141. This creates a premature translational stop signal (p.Val141Cysfs*42) and is expected to result in an absent or disrupted protein product. While this particular variant has not been reported in the literature, truncating variants in ELN are known to be pathogenic (PMID: 11175284). For these reasons, this variant has been classified as Pathogenic.

Literature cited by the submitters: PubMed 11175284.